The following is an entry in ClinVar:

NM_003285.3(TNR):c.3001G>C (p.Gly1001Arg)

Gene: TNR (tenascin R; minus strand). Cytogenetic location: 1q25.1.
Variant type: single nucleotide variant.
Coding change: c.3001G>C on transcript NM_003285.3 (MANE Select); coding-DNA position 3001, G replaced by C.
Protein change: p.Gly1001Arg; replaces glycine 1001 with arginine.
Molecular consequence: missense variant.
Genome position (GRCh38, 1-based): chr1:175,356,436, C>G on the plus strand (G>C on the coding strand, the complement: TNR is on the minus strand). VCF-style: chr1-175356436-C-G. GRCh37 (hg19) VCF-style: chr1-175325572-C-G.
Other names: c.2002G>C, p.Gly668Arg (NM_001328635.2); short protein forms G1001R, G668R.
Identifiers: ClinVar variation 4532487 (VCV004532487.1).

ClinVar aggregate classification (germline): Uncertain significance (1 of 4 stars; one submission).

Submission:

GeneDx
Classification: Uncertain significance. Last evaluated: 2025-05-27. Review status: criteria provided, single submitter. Criteria: GeneDx Variant Classification Process June 2021. Collection method: clinical testing. Allele origin: germline. Affected: yes.
Comment: Not observed at significant frequency in large population cohorts (gnomAD); In silico analysis supports that this missense variant has a deleterious effect on protein structure/function; Has not been previously published as pathogenic or benign to our knowledge